The following is an entry in ClinVar:

NM_000059.4(BRCA2):c.728_729insC (p.Asn243_Asp244insTer)

Gene: BRCA2 (BRCA2 DNA repair associated; plus strand). Cytogenetic location: 13q13.1.
Variant type: Insertion.
Coding change: c.728_729insC on transcript NM_000059.4 (MANE Select); coding-DNA positions 728 to 729, C inserted.
Protein change: p.Asn243_Asp244insTer.
Molecular consequence: frameshift variant.
Genome position: GRCh38 VCF-style: chr13-32330965-A-AC. GRCh37 (hg19) VCF-style: chr13-32905102-A-AC.
Identifiers: ClinVar variation 548438 (VCV000548438.1), dbSNP rs1555281462, ClinGen allele CA658823652.

ClinVar aggregate classification (germline): Pathogenic (3 of 4 stars; one submission).

Conditions:
Breast-ovarian cancer, familial, susceptibility to, 2 (BROVCA2). Also called: BRCA2 Hereditary Breast and Ovarian Cancer. Identifiers: Orphanet 145, MedGen C2675520, MONDO:0012933, OMIM 612555. Disease mechanism: loss of function.

Submission:

Evidence-based Network for the Interpretation of Germline Mutant Alleles (ENIGMA)
Classification: Pathogenic for Breast-ovarian cancer, familial, susceptibility to, 2. Last evaluated: 2017-12-15. Review status: reviewed by expert panel. Criteria: ENIGMA BRCA1/2 Classification Criteria (2017-06-29). Collection method: curation. Allele origin: germline. Study: ENIGMA.
Comment: Variant allele predicted to encode a truncated non-functional protein.